The following is an entry in ClinVar:

NM_032119.4(ADGRV1):c.6815G>A (p.Trp2272Ter)

Gene: ADGRV1 (adhesion G protein-coupled receptor V1; plus strand). Cytogenetic location: 5q14.3.
Variant type: single nucleotide variant.
Coding change: c.6815G>A on transcript NM_032119.4 (MANE Select); coding-DNA position 6815, G replaced by A.
Protein change: p.Trp2272Ter; replaces tryptophan 2272 with a stop codon.
Molecular consequence: nonsense. On other transcripts: non-coding transcript variant (1).
Genome position (GRCh38, 1-based): chr5:90,690,905, G>A. VCF-style: chr5-90690905-G-A. GRCh37 (hg19) VCF-style: chr5-89986722-G-A.
Other names: short protein forms W2272*.
Identifiers: ClinVar variation 3003864 (VCV003003864.3), dbSNP rs2530906062, ClinGen allele CA360368043.

ClinVar aggregate classification (germline): Pathogenic (1 of 4 stars; one submission).

Allele frequency attached by ClinVar (database versions not stated): gnomAD exomes below 0.00001.
gnomAD v4.1: 1 of 1,613,758 alleles (0.000062%); highest among the groups gnomAD compares: Non-Finnish European, 0.000085%; no homozygotes.

Submission:

Labcorp Genetics (formerly Invitae), Labcorp
Classification: Pathogenic. Last evaluated: 2023-05-01. Review status: criteria provided, single submitter. Criteria: Invitae Variant Classification Sherloc (09022015). Collection method: clinical testing. Allele origin: germline.
Comment: For these reasons, this variant has been classified as Pathogenic. This variant has not been reported in the literature in individuals affected with ADGRV1-related conditions. This variant is not present in population databases (gnomAD no frequency). This sequence change creates a premature translational stop signal (p.Trp2272*) in the ADGRV1 gene. It is expected to result in an absent or disrupted protein product. Loss-of-function variants in ADGRV1 are known to be pathogenic (PMID: 19357117, 22135276, 22147658, 26226137, 30718709, 31047384, 32467589).

Literature cited by the submitters: PubMed 19357117; PubMed 22135276; PubMed 22147658; PubMed 26226137; PubMed 30718709; PubMed 31047384; PubMed 32467589.